The following is an entry in ClinVar:

ClinVar aggregate classification (germline): Likely benign (1 of 4 stars; one submission).

Submission:

CeGaT Center for Human Genetics Tuebingen
Classification: Likely benign. Last evaluated: 2025-04-01. Review status: criteria provided, single submitter. Criteria: CeGaT Center For Human Genetics Tuebingen Variant Classification Criteria Version 2. Collection method: clinical testing. Allele origin: germline. Affected: yes. Observed: 1 variant allele.
Comment: IGFN1: BP4, BP7

NM_001164586.2(IGFN1):c.6093G>A (p.Glu2031=)

Gene: IGFN1 (immunoglobulin like and fibronectin type III domain containing 1; plus strand). Cytogenetic location: 1q32.1.
Variant type: single nucleotide variant.
Coding change: c.6093G>A on transcript NM_001164586.2 (MANE Select); coding-DNA position 6093, G replaced by A.
Protein change: p.Glu2031=; no amino-acid change (glutamic acid 2031 retained).
Molecular consequence: synonymous variant. On other transcripts: intron variant (1).
Genome position (GRCh38, 1-based): chr1:201,210,986, G>A. VCF-style: chr1-201210986-G-A. GRCh37 (hg19) VCF-style: chr1-201180114-G-A.
Other names: c.1242-2520G>A (NM_001367841.1).
Identifiers: ClinVar variation 3898094 (VCV003898094.7).